The following is an entry in ClinVar:

ClinVar aggregate classification (germline): Pathogenic. Review status: criteria provided, multiple submitters, no conflicts (2 of 4 stars). 12 submissions from 12 submitters: Pathogenic (10). 2 of the submissions do not count toward it. Last evaluated 2025-11-17.

Conditions:
Familial cancer of breast. Also called: BREAST CANCER, FAMILIAL; hereditary breast carcinoma; Hereditary breast cancer. Identifiers: Orphanet 227535, MedGen C0346153, MONDO:0016419, OMIM 114480. Disease mechanism: loss of function.
Pancreatic cancer, susceptibility to, 3. Identifiers: Orphanet 1333, MedGen C3150547, MONDO:0013236, OMIM 613348.
Fanconi anemia complementation group N. Also called: PALB2-Related Fanconi Anemia. Identifiers: Orphanet 84, MedGen C1835817, MONDO:0012565, OMIM 610832. Disease mechanism: loss of function.
Breast-ovarian cancer, familial, susceptibility to, 5 (BROVCA5). Identifiers: MedGen C5830615, MONDO:0957530, OMIM 620442.
Hereditary cancer-predisposing syndrome. Also called: Tumor predisposition; Hereditary Cancer Syndrome; Hereditary neoplastic syndrome; Neoplastic Syndromes, Hereditary. Identifiers: Orphanet 140162, MedGen C0027672, MeSH D009386, MONDO:0015356.

Submissions (12):

Labcorp Genetics (formerly Invitae), Labcorp
Classification: Pathogenic for Familial cancer of breast. Last evaluated: 2025-11-17. Review status: criteria provided, single submitter. Criteria: Invitae Variant Classification Sherloc (09022015). Collection method: clinical testing. Allele origin: germline.
Comment: This sequence change creates a premature translational stop signal (p.Met642Cysfs*18) in the PALB2 gene. It is expected to result in an absent or disrupted protein product. Loss-of-function variants in PALB2 are known to be pathogenic (PMID: 17200668, 17200671, 17200672, 24136930, 25099575). This variant is present in population databases (rs730881865, gnomAD 0.003%). This premature translational stop signal has been observed in individual(s) with breast cancer (PMID: 24136930, 24415441, 26681312). ClinVar contains an entry for this variant (Variation ID: 182738). For these reasons, this variant has been classified as Pathogenic.

Color Diagnostics, LLC DBA Color Health
Classification: Pathogenic for Hereditary cancer-predisposing syndrome. Last evaluated: 2025-09-17. Review status: criteria provided, single submitter. Criteria: ACMG Guidelines, 2015. Collection method: clinical testing. Allele origin: germline.
Comment: This variant deletes 1 nucleotide in exon 5 of the PALB2 gene, creating a frameshift and premature translation stop signal. This variant is expected to result in an absent or non-functional protein product. This variant has been reported in 4 individuals affected with breast cancer and 1 unaffected individual, and this variant also has been reported in a breast cancer case-control study in 1/16501 cases and absent in 5890 unaffected individuals (PMID: 24136930, 24415441, 26681312, 31206626, 32339256). This variant has been identified in 1/250632 chromosomes in the general population by the Genome Aggregation Database (gnomAD). Loss of PALB2 function is a known mechanism of disease. Based on the available evidence, this variant is classified as Pathogenic.

Ambry Genetics
Classification: Pathogenic for Hereditary cancer-predisposing syndrome. Last evaluated: 2025-05-14. Review status: criteria provided, single submitter. Criteria: Ambry Variant Classification Scheme 2023. Collection method: clinical testing. Allele origin: germline.
Comment: The c.1924delA pathogenic mutation, located in coding exon 5 of the PALB2 gene, results from a deletion of one nucleotide at nucleotide position 1924, causing a translational frameshift with a predicted alternate stop codon (p.M642Cfs*18). This alteration was observed in multiple individuals and families with high risk breast cancer and at least one control across several studies (Janatova M et al. Cancer Epidemiol Biomarkers Prev, 2013 Dec;22:2323-32; Fernandes PH et al. Cancer, 2014 Apr;120:963-7; Susswein LR et al. Genet Med, 2016 08;18:823-32; Weitzel JN et al. Cancer, 2019 08;125:2829-2836; Zhou J et al. Cancer, 2020 07;126:3202-3208). In addition to the clinical data presented in the literature, this alteration is expected to result in loss of function by premature protein truncation or nonsense-mediated mRNA decay. As such, this alteration is interpreted as a disease-causing mutation.

ARUP Laboratories, Molecular Genetics and Genomics, ARUP Laboratories
Classification: Pathogenic. Last evaluated: 2025-03-17. Review status: criteria provided, single submitter. Criteria: ARUP Molecular Germline Variant Investigation Process 2024. Collection method: clinical testing. Allele origin: germline.
Comment: The PALB2 c.1924del; p.Met642CysfsTer18 variant (rs730881865, ClinVar Variation ID 182738) is reported in the literature in multiple individuals affected with breast cancer (Fernandes 2014, Janatova 2013, Susswein 2016, Weitzel 2019, Zhou 2020) and at least one unaffected control (Weitzel 2019). This variant is only observed on one allele in the Genome Aggregation Database (v2.1.1), indicating it is not a common polymorphism. This variant causes a frameshift by deleting a single nucleotide, so it is predicted to result in a truncated protein or mRNA subject to nonsense-mediated decay. Based on available information, this variant is considered to be pathogenic. References: Fernandes PH et al. Comprehensive sequencing of PALB2 in patients with breast cancer suggests PALB2 mutations explain a subset of hereditary breast cancer. Cancer. 2014 Apr 1;120(7):963-7. PMID: 24415441. Janatova M et al. The PALB2 gene is a strong candidate for clinical testing in BRCA1- and BRCA2-negative hereditary breast cancer. Cancer Epidemiol Biomarkers Prev. 2013 Dec;22(12):2323-32. PMID: 24136930. Susswein LR et al. Pathogenic and likely pathogenic variant prevalence among the first 10,000 patients referred for next-generation cancer panel testing. Genet Med. 2016 Aug;18(8):823-32. PMID: 26681312. Weitzel JN et al. Pathogenic and likely pathogenic variants in PALB2, CHEK2, and other known breast cancer susceptibility genes among 1054 BRCA-negative Hispanics with breast cancer. Cancer. 2019 Aug 15;125(16):2829-2836. PMID: 31206626. Zhou J et al. Spectrum of PALB2 germline mutations and characteristics of PALB2-related breast cancer: Screening of 16,501 unselected patients with breast cancer and 5890 controls by next-generation sequencing. Cancer. 2020 Jul 15;126(14):3202-3208. PMID: 32339256.

Fulgent Genetics
Classification: Pathogenic for Fanconi anemia complementation group N; Pancreatic cancer, susceptibility to, 3; Breast-ovarian cancer, familial, susceptibility to, 5. Last evaluated: 2024-01-25. Review status: criteria provided, single submitter. Criteria: ACMG Guidelines, 2015. Collection method: clinical testing. Allele origin: germline.

Myriad Genetics, Inc.
Classification: Pathogenic for Familial cancer of breast. Last evaluated: 2023-03-30. Review status: criteria provided, single submitter. Criteria: Myriad Autosomal Dominant, Autosomal Recessive and X-Linked Classification Criteria (2023). Collection method: clinical testing. Allele origin: unknown.
Comment: This variant is considered pathogenic. This variant creates a frameshift predicted to result in premature protein truncation.

Baylor Genetics
Classification: Pathogenic for Familial cancer of breast. Last evaluated: 2022-12-14. Review status: criteria provided, single submitter. Criteria: ACMG Guidelines, 2015. Collection method: clinical testing. Allele origin: unknown.

Quest Diagnostics Nichols Institute San Juan Capistrano
Classification: Pathogenic. Last evaluated: 2022-09-07. Review status: criteria provided, single submitter. Criteria: Quest Diagnostics criteria. Collection method: clinical testing. Allele origin: unknown.
Comment: This frameshift variant alters the translational reading frame of the PALB2 mRNA and causes the premature termination of PALB2 protein synthesis. The frequency of this variant in the general population, 0.000004 (1/250632 chromosomes), is consistent with pathogenicity. In the published literature, the variant has been reported in individuals with breast cancer(PMIDs: 32339256 (2020), 31206626 (2019), 26681312 (2015), 24136930 (2013)). Based on the available information, this variant is classified as pathogenic.

Sema4
Classification: Pathogenic for Hereditary cancer-predisposing syndrome. Last evaluated: 2021-12-27. Review status: criteria provided, single submitter. Criteria: Sema4 Curation Guidelines. Collection method: curation. Allele origin: germline.
Comment: The PALB2 c.1924delA (p.M642Cfs*18) variant has been reported in heterozygosity in at least 5 individuals with breast cancer (PMID: 24136930, 31206626, 32339256, 26681312, 24415441). This variant causes a frameshift at amino acid 642 that results in premature termination 18 amino acids downstream. At this location, this is predicted to cause nonsense-mediated decay and result in an absent protein (loss of function). Loss of function variants in PALB2 are known to be pathogenic (PMID: 17200668). It was observed in 1/34590 chromosomes of the Latino subpopulation in the large and broad cohorts of the Genome Aggregation Database (PMID: 32461654). This variant has been reported in ClinVar (Variation ID 182738). Based on the current evidence available, this variant is interpreted as pathogenic.

GeneDx
Classification: Pathogenic. Last evaluated: 2021-04-23. Review status: criteria provided, single submitter. Criteria: GeneDx Variant Classification Process June 2021. Collection method: clinical testing. Allele origin: germline. Affected: yes.
Comment: Frameshift variant predicted to result in protein truncation or nonsense mediated decay in a gene for which loss-of-function is a known mechanism of disease; Not observed at a significant frequency in large population cohorts (Lek et al., 2016); This variant is associated with the following publications: (PMID: 24136930, 24415441, 26681312, 32339256, 31206626)

Leiden Open Variation Database
Classification: Pathogenic for Familial cancer of breast. Last evaluated: 2019-05-13. Review status: no assertion criteria provided. Collection method: curation. Allele origin: germline. Affected: yes. Not counted in ClinVar's aggregate classification.
Comment: Curators: Marc Tischkowitz, Arleen D. Auerbach. Submitter to LOVD: Marc Tischkowitz.

Counsyl
Classification: Likely pathogenic for Familial cancer of breast. Last evaluated: 2015-12-28. Review status: no assertion criteria provided. Collection method: clinical testing. Allele origin: unknown. Not counted in ClinVar's aggregate classification.

Literature cited by the submitters: PubMed 17200668 (cited by Labcorp Genetics (formerly Invitae), Labcorp and Sema4); PubMed 17200671 (cited by Labcorp Genetics (formerly Invitae), Labcorp); PubMed 17200672 (cited by Labcorp Genetics (formerly Invitae), Labcorp); PubMed 24136930 (cited by 7 submitters); PubMed 25099575 (cited by Labcorp Genetics (formerly Invitae), Labcorp); PubMed 24415441 (cited by 7 submitters); PubMed 26681312 (cited by 6 submitters); PubMed 31206626 (cited by 4 submitters); PubMed 32339256 (cited by 4 submitters).

NM_024675.4(PALB2):c.1924del (p.Met642fs)

Gene: PALB2 (partner and localizer of BRCA2; minus strand). Cytogenetic location: 16p12.2.
Variant type: Deletion.
Coding change: c.1924del on transcript NM_024675.4 (MANE Select); coding-DNA position 1924, one base deleted (A; older notation c.1924delA).
Protein change: p.Met642fs; shifts the reading frame from methionine 642.
Molecular consequence: frameshift variant.
Genome position (GRCh38, 1-based): chr16:23,630,230, T deleted on the plus strand (A on the coding strand, the reverse complement: PALB2 is on the minus strand); the first of 5 consecutive T bases (chr16:23,630,230-23,630,234); deleting any one gives the same sequence. VCF-style (leftmost placement, unchanged base first): chr16-23630229-AT-A. GRCh37 (hg19) VCF-style: chr16-23641550-AT-A.
Other names: c.1924delA (NM_024675.3); short protein forms M642fs.
Identifiers: ClinVar variation 182738 (VCV000182738.26), dbSNP rs730881865, ClinGen allele CA299660.